The following is an entry in ClinVar:

NM_000402.4(G6PD):c.556G>A (p.Glu186Lys)

Gene: G6PD (glucose-6-phosphate dehydrogenase; minus strand). Cytogenetic location: Xq28.
Variant type: single nucleotide variant.
Coding change: c.556G>A on transcript NM_000402.4; coding-DNA position 556, G replaced by A.
Protein change: p.Glu186Lys; replaces glutamic acid 186 with lysine.
Molecular consequence: missense variant.
Genome position (GRCh38, 1-based): chrX:154,535,187, C>T on the plus strand (G>A on the coding strand, the complement: G6PD is on the minus strand). VCF-style: chrX-154535187-C-T. GRCh37 (hg19) VCF-style: chrX-153763402-C-T.
Other names: G6PD, GLU156LYS; G6PD Ilesha; c.466G>A, p.Glu156Lys (NM_001042351.3, NM_001360016.2); short protein forms E156K, E186K.
Identifiers: ClinVar variation 10364 (VCV000010364.26), dbSNP rs137852313, ClinGen allele CA120945.

ClinVar aggregate classification (germline): Conflicting classifications of pathogenicity. Review status: criteria provided, conflicting classifications (1 of 4 stars). 7 submissions from 7 submitters: Likely pathogenic (1); Uncertain significance (4); Likely benign (1). 1 of the submissions does not count toward it. Last evaluated 2025-10-17.

Conditions:
G6PD ILESHA.
Anemia, nonspherocytic hemolytic, due to G6PD deficiency (CNSHA1). Also called: ANEMIA, CONGENITAL, NONSPHEROCYTIC HEMOLYTIC, 1; Hemolytic anemia due to G6PD deficiency; Class I glucose-6-phosphate dehydrogenase deficiency; Favism, susceptibility to. Identifiers: Orphanet 466026, MedGen C2720289, MONDO:0010480, OMIM 300908.

Allele frequency attached by ClinVar (database versions not stated): gnomAD exomes 0.00008 and 0.00027; gnomAD 0.00014 and 0.00016; 1000 Genomes Project 30x 0.00021; 1000 Genomes Project 0.00026; TOPMed 0.00028; ExAC 0.00031.

Submissions (7):

Labcorp Genetics (formerly Invitae), Labcorp
Classification: Likely benign for Anemia, nonspherocytic hemolytic, due to G6PD deficiency. Last evaluated: 2025-10-17. Review status: criteria provided, single submitter. Criteria: Invitae Variant Classification Sherloc (09022015). Collection method: clinical testing. Allele origin: germline.

Revvity Omics, Revvity
Classification: Uncertain significance for Anemia, nonspherocytic hemolytic, due to G6PD deficiency. Last evaluated: 2024-05-23. Review status: criteria provided, single submitter. Criteria: ACMG Guidelines, 2015. Collection method: clinical testing. Allele origin: germline.

Women's Health and Genetics/Laboratory Corporation of America, LabCorp
Classification: Uncertain significance. Last evaluated: 2024-03-28. Review status: criteria provided, single submitter. Criteria: LabCorp Variant Classification Summary - May 2015. Collection method: clinical testing. Allele origin: germline.
Comment: Variant summary: G6PD c.556G>A (p.Glu186Lys) results in a conservative amino acid change located in the Glucose-6-phosphate dehydrogenase, NAD-binding domain (IPR022674) of the encoded protein sequence. Four of five in-silico tools predict a benign effect of the variant on protein function. The variant allele was found at a frequency of 0.00027 in 183269 control chromosomes in the gnomAD database, including 1 homozygote and 18 hemizygotes. This frequency is not significantly higher than estimated for a pathogenic variant in G6PD causing Glucose 6 Phosphate Dehydrogenase Deficiency (0.00027 vs 0.29), allowing no conclusion about variant significance. c.556G>A has been reported in the literature in asymptomatic individuals affected with Glucose 6 Phosphate Dehydrogenase Deficiency (e.g. Villiamy_1988, Nafa_1994, Aggarwal_2019). These reports do not provide unequivocal conclusions about association of the variant with Glucose 6 Phosphate Dehydrogenase Deficiency. To our knowledge, no experimental evidence demonstrating an impact on protein function has been reported. The following publications have been ascertained in the context of this evaluation (PMID: 3393536, 32680472, 7959686, 31602632). ClinVar contains an entry for this variant (Variation ID: 10364). Based on the evidence outlined above, the variant was classified as uncertain significance.

Dunham Lab, University of Washington
Classification: Likely pathogenic for Anemia, nonspherocytic hemolytic, due to G6PD deficiency. Last evaluated: 2022-08-12. Review status: criteria provided, single submitter. Criteria: Bayesian ACMG Guidelines, 2018. Collection method: curation. Allele origin: unknown. Affected: yes.
Comment: Variant found in hemizygotes with G6PD deficiency (PP4). Decreased activity in red blood cells of hemizygotes (21-25%) (PS3). Below expected carrier frequency in gnomAD (PM2). Post_P 0.949 (odds of pathogenicity 168.4, Prior_P 0.1).

ARUP Laboratories, Molecular Genetics and Genomics, ARUP Laboratories
Classification: Uncertain significance. Last evaluated: 2022-02-24. Review status: criteria provided, single submitter. Criteria: ARUP Molecular Germline Variant Investigation Process 2021. Collection method: clinical testing. Allele origin: germline.

Mendelics
Classification: Uncertain significance for Anemia, nonspherocytic hemolytic, due to G6PD deficiency. Last evaluated: 2019-05-28. Review status: criteria provided, single submitter. Criteria: Mendelics Assertion Criteria 2017. Collection method: clinical testing. Allele origin: unknown.

OMIM
Classification: other for G6PD ILESHA. Last evaluated: 2017-05-24. Review status: no assertion criteria provided. Collection method: literature only. Allele origin: germline. Not counted in ClinVar's aggregate classification.

Literature cited by the submitters: PubMed 3393536 (cited by Women's Health and Genetics/Laboratory Corporation of America, LabCorp and Dunham Lab, University of Washington); PubMed 31602632 (cited by Women's Health and Genetics/Laboratory Corporation of America, LabCorp); PubMed 7959686 (cited by Women's Health and Genetics/Laboratory Corporation of America, LabCorp and Dunham Lab, University of Washington); PubMed 32680472 (cited by Women's Health and Genetics/Laboratory Corporation of America, LabCorp); PubMed 848857 (cited by Dunham Lab, University of Washington and OMIM); PubMed 4154774 (cited by OMIM); PubMed 2503817 (cited by OMIM).